The following is an entry in ClinVar:

ClinVar aggregate classification (germline): Uncertain significance (1 of 4 stars; one submission).

Submission:

CeGaT Center for Human Genetics Tuebingen
Classification: Uncertain significance. Last evaluated: 2022-06-01. Review status: criteria provided, single submitter. Criteria: CeGaT Center For Human Genetics Tuebingen Variant Classification Criteria Version 2. Collection method: clinical testing. Allele origin: germline. Affected: yes. Observed: 1 variant allele.
Comment: WDR11: PM2

NM_018117.12(WDR11):c.756C>A (p.Tyr252Ter)

Gene: WDR11 (WD repeat domain 11; plus strand). Cytogenetic location: 10q26.12.
Variant type: single nucleotide variant.
Coding change: c.756C>A on transcript NM_018117.12 (MANE Select); coding-DNA position 756, C replaced by A.
Protein change: p.Tyr252Ter; replaces tyrosine 252 with a stop codon.
Molecular consequence: nonsense.
Genome position (GRCh38, 1-based): chr10:120,865,089, C>A. VCF-style: chr10-120865089-C-A. GRCh37 (hg19) VCF-style: chr10-122624601-C-A.
Other names: short protein forms Y252*.
Identifiers: ClinVar variation 2640883 (VCV002640883.24), dbSNP rs2493265485, ClinGen allele CA378322212.